The following is an entry in ClinVar:

NM_012434.5(SLC17A5):c.1320G>C (p.Gly440=)

Gene: SLC17A5 (solute carrier family 17 member 5; minus strand). Cytogenetic location: 6q13.
Variant type: single nucleotide variant.
Coding change: c.1320G>C on transcript NM_012434.5 (MANE Select); coding-DNA position 1320, G replaced by C.
Protein change: p.Gly440=; no amino-acid change (glycine 440 retained).
Molecular consequence: synonymous variant. On other transcripts: intron variant (1).
Genome position (GRCh38, 1-based): chr6:73,600,381, C>G on the plus strand (G>C on the coding strand, the complement: SLC17A5 is on the minus strand). VCF-style: chr6-73600381-C-G. GRCh37 (hg19) VCF-style: chr6-74310104-C-G.
Other names: p.Gly440=; c.1089G>C, p.Gly363= (NM_001382629.1); c.1341G>C, p.Gly447= (NM_001382631.1); c.1233G>C, p.Gly411= (NM_001382632.1); c.1320G>C, p.Gly440= (NM_001382633.1); c.1161G>C, p.Gly387= (NM_001382634.1); c.1317G>C, p.Gly439= (NM_001382635.1); c.1002G>C, p.Gly334= (NM_001382636.1); and 1 more.
Identifiers: ClinVar variation 1613665 (VCV001613665.9), dbSNP rs373258092, ClinGen allele CA450912608.

ClinVar aggregate classification (germline): Likely benign. Review status: criteria provided, multiple submitters, no conflicts (2 of 4 stars). 2 submissions from 2 submitters: Likely benign (2). Last evaluated 2023-11-18.

Conditions:
Salla disease (SD). Also called: Less Severe FSASD (Salla Disease); Sialuria, Finnish type; N-acetylneuraminic acid (NANA) storage disease (NSD); Infantile sialic acid storage disorder (ISSD). Identifiers: Orphanet 309334, Orphanet 834, MedGen C1096903, MONDO:0011449, OMIM 604369.

Submissions (2):

Mayo Clinic Laboratories, Mayo Clinic
Classification: Likely benign. Last evaluated: 2023-11-18. Review status: criteria provided, single submitter. Criteria: ACMG Guidelines, 2015. Collection method: clinical testing. Allele origin: germline. Observed: 1 variant allele.
Comment: BP4, BP7, PM2_supporting

Labcorp Genetics (formerly Invitae), Labcorp
Classification: Likely benign for Salla disease. Last evaluated: 2021-10-27. Review status: criteria provided, single submitter. Criteria: Invitae Variant Classification Sherloc (09022015). Collection method: clinical testing. Allele origin: germline.